The following is an entry in ClinVar:

ClinVar aggregate classification (germline): Uncertain significance (1 of 4 stars; one submission).

Conditions:
Inborn genetic diseases. Identifiers: MedGen C0950123, MeSH D030342.

Submission:

Ambry Genetics
Classification: Uncertain significance for Inborn genetic diseases. Last evaluated: 2025-05-27. Review status: criteria provided, single submitter. Criteria: Ambry Variant Classification Scheme 2023. Collection method: clinical testing. Allele origin: germline.
Comment: The p.D406E variant (also known as c.1218T>G), located in coding exon 1 of the SAMD9 gene, results from a T to G substitution at nucleotide position 1218. The aspartic acid at codon 406 is replaced by glutamic acid, an amino acid with highly similar properties. This amino acid position is conserved. In addition, this alteration is predicted to be tolerated by in silico analysis. Based on the available evidence, the clinical significance of this variant remains unclear.

NM_017654.4(SAMD9):c.1218T>G (p.Asp406Glu)

Gene: SAMD9 (sterile alpha motif domain containing 9; minus strand). Cytogenetic location: 7q21.2.
Variant type: single nucleotide variant.
Coding change: c.1218T>G on transcript NM_017654.4 (MANE Select); coding-DNA position 1218, T replaced by G.
Protein change: p.Asp406Glu; replaces aspartic acid 406 with glutamic acid.
Molecular consequence: missense variant.
Genome position (GRCh38, 1-based): chr7:93,104,880, A>C on the plus strand (T>G on the coding strand, the complement: SAMD9 is on the minus strand). VCF-style: chr7-93104880-A-C. GRCh37 (hg19) VCF-style: chr7-92734193-A-C.
Other names: c.1218T>G, p.Asp406Glu (NM_001193307.2); short protein forms D406E.
Identifiers: ClinVar variation 3949678 (VCV003949678.1).